The following is an entry in ClinVar:

NM_001367624.2(ZNF469):c.720G>A (p.Glu240=)

Gene: ZNF469 (zinc finger protein 469; plus strand). Cytogenetic location: 16q24.2.
Variant type: single nucleotide variant.
Coding change: c.720G>A on transcript NM_001367624.2 (MANE Select); coding-DNA position 720, G replaced by A.
Protein change: p.Glu240=; no amino-acid change (glutamic acid 240 retained).
Molecular consequence: synonymous variant.
Genome position (GRCh38, 1-based): chr16:88,428,190, G>A. VCF-style: chr16-88428190-G-A. GRCh37 (hg19) VCF-style: chr16-88494598-G-A.
Identifiers: ClinVar variation 126930 (VCV000126930.2), dbSNP rs273585632, ClinGen allele CA151299.

ClinVar aggregate classification (germline): Likely pathogenic (0 of 4 stars; one submission).

Conditions:
Keratoconus 1 (KTCN1). Identifiers: MedGen C1835677, MONDO:0007851, OMIM 148300.

Submission:

Willoughby Group, Queen's University Belfast
Classification: Likely pathogenic for Keratoconus 1. Review status: no assertion criteria provided. Collection method: not provided. Allele origin: germline.
ClinVar note: Converted during submission from probable-pathogenic to Likely pathogenic.